The following is an entry in ClinVar:

NM_147686.4(TRAF3IP2):c.172G>A (p.Gly58Arg)

Genes: TRAF3IP2 (TRAF3 interacting protein 2; minus strand), TRAF3IP2-AS1 (TRAF3IP2 antisense RNA 1; plus strand). Cytogenetic location: 6q21.
Variant type: single nucleotide variant.
Coding change: c.172G>A on transcript NM_147686.4 (MANE Select); coding-DNA position 172, G replaced by A.
Protein change: p.Gly58Arg; replaces glycine 58 with arginine.
Molecular consequence: missense variant.
Genome position (GRCh38, 1-based): chr6:111,591,915, C>T on the plus strand (G>A on the coding strand, the complement: TRAF3IP2 is on the minus strand). VCF-style: chr6-111591915-C-T. GRCh37 (hg19) VCF-style: chr6-111913118-C-T.
Other names: c.172G>A, p.Gly58Arg (NM_001164281.3); c.199G>A, p.Gly67Arg (NM_147200.3); short protein forms G58R, G67R.
Identifiers: ClinVar variation 1056331 (VCV001056331.7), dbSNP rs201280730, ClinGen allele CA145288142.

ClinVar aggregate classification (germline): Uncertain significance (1 of 4 stars; one submission).

Conditions:
Candidiasis, familial, 8 (CANDF8). Identifiers: Orphanet 1334, MedGen C3714992, MONDO:0014230, OMIM 615527.

Allele frequency attached by ClinVar (database versions not stated): TOPMed below 0.00001; gnomAD exomes 0.00002.
gnomAD v4.1: 26 of 1,614,208 alleles (0.0016%); highest among the groups gnomAD compares: Non-Finnish European, 0.0021%; no homozygotes.

Submission:

Labcorp Genetics (formerly Invitae), Labcorp
Classification: Uncertain significance for Candidiasis, familial, 8. Last evaluated: 2020-06-12. Review status: criteria provided, single submitter. Criteria: Invitae Variant Classification Sherloc (09022015). Collection method: clinical testing. Allele origin: germline.
Comment: This variant has not been reported in the literature in individuals with TRAF3IP2-related conditions. In summary, the available evidence is currently insufficient to determine the role of this variant in disease. Therefore, it has been classified as a Variant of Uncertain Significance. Algorithms developed to predict the effect of sequence changes on RNA splicing suggest that this variant may create or strengthen a splice site, but this prediction has not been confirmed by published transcriptional studies. Algorithms developed to predict the effect of missense changes on protein structure and function output the following: SIFT: "Tolerated"; PolyPhen-2: "Benign"; Align-GVGD: "Class C0". The arginine amino acid residue is found in multiple mammalian species, suggesting that this missense change does not adversely affect protein function. These predictions have not been confirmed by published functional studies and their clinical significance is uncertain. This variant is not present in population databases (ExAC no frequency). This sequence change replaces glycine with arginine at codon 58 of the TRAF3IP2 protein (p.Gly58Arg). The glycine residue is weakly conserved and there is a moderate physicochemical difference between glycine and arginine.